The following is an entry in ClinVar:

ClinVar aggregate classification (germline): Likely benign (0 of 4 stars; one submission).

Conditions:
FOXF2-related disorder. Also called: FOXF2-related condition.

gnomAD v4.1: 1 of 1,452,774 alleles (0.000069%); highest among the groups gnomAD compares: Admixed American, 0.0027%; no homozygotes.

Submission:

PreventionGenetics, part of Exact Sciences
Classification: Likely benign for FOXF2-related condition. Last evaluated: 2019-04-10. Review status: no assertion criteria provided. Collection method: clinical testing. Allele origin: germline.
Comment: This variant is classified as likely benign based on ACMG/AMP sequence variant interpretation guidelines (Richards et al. 2015 PMID: 25741868, with internal and published modifications).

NM_001452.2(FOXF2):c.231C>T (p.Gly77=)

Genes: FOXF2 (forkhead box F2; plus strand), FOXF2-DT (FOXF2 divergent transcript; minus strand). Cytogenetic location: 6p25.3.
Variant type: single nucleotide variant.
Coding change: c.231C>T on transcript NM_001452.2 (MANE Select); coding-DNA position 231, C replaced by T.
Protein change: p.Gly77=; no amino-acid change (glycine 77 retained).
Molecular consequence: synonymous variant. On other transcripts: non-coding transcript variant (1).
Genome position (GRCh38, 1-based): chr6:1,390,178, C>T. VCF-style: chr6-1390178-C-T. GRCh37 (hg19) VCF-style: chr6-1390413-C-T.
Identifiers: ClinVar variation 3353146 (VCV003353146.1).